The following is an entry in ClinVar:

NM_001146079.2(CLDN14):c.694G>A (p.Gly232Arg)

Genes: CLDN14 (claudin 14; minus strand), CLDN14-AS1 (CLDN14 antisense RNA 1; plus strand). Cytogenetic location: 21q22.13.
Variant type: single nucleotide variant.
Coding change: c.694G>A on transcript NM_001146079.2 (MANE Select); coding-DNA position 694, G replaced by A.
Protein change: p.Gly232Arg; replaces glycine 232 with arginine.
Molecular consequence: missense variant.
Genome position (GRCh38, 1-based): chr21:36,461,002, C>T on the plus strand (G>A on the coding strand, the complement: CLDN14 is on the minus strand). VCF-style: chr21-36461002-C-T. GRCh37 (hg19) VCF-style: chr21-37833300-C-T.
Other names: c.694G>A, p.Gly232Arg (NM_001146077.2, NM_001146078.3, NM_012130.4 and 1 more transcripts); c.694G>A (NM_001146077.1); short protein forms G232R.
Identifiers: ClinVar variation 189333 (VCV000189333.3), dbSNP rs786204841, ClinGen allele CA199226.

ClinVar aggregate classification (germline): Uncertain significance. Review status: criteria provided, single submitter (1 of 4 stars). 3 submissions from 3 submitters: Uncertain significance (1). 2 of the submissions do not count toward it. Last evaluated 2026-06-02.

Conditions:
CLDN14-related disorder. Also called: CLDN14-related condition.
Autosomal recessive nonsyndromic hearing loss 29. Identifiers: Orphanet 90636, MedGen C3279660, MONDO:0013537, OMIM 614035.

Allele frequency attached by ClinVar (database versions not stated): gnomAD exomes below 0.00001; TOPMed 0.00001.
gnomAD v4.1: 4 of 1,613,112 alleles (0.00025%); highest among the groups gnomAD compares: East Asian, 0.0022%; no homozygotes.

Submissions (3):

PreventionGenetics, part of Exact Sciences
Classification: Uncertain significance for CLDN14-related condition. Last evaluated: 2026-06-02. Review status: criteria provided, single submitter. Criteria: ACMG Guidelines, 2015. Collection method: clinical testing. Allele origin: germline.
Comment: The CLDN14 c.694G>A variant is predicted to result in the amino acid substitution p.Gly232Arg. This variant has been reported in the homozygous state in three siblings with nonsyndromic hearing loss from a consanguineous family (Lee et al. 2012. PubMed ID: 22246673), and has also been identified along with a second variant in this gene in an individual with nonsyndromic hearing loss (Table S2, Yuan et al. 2019. PubMed ID: 31541171). This variant has not been reported in a large population database (gnomAD), indicating this variant is rare. Although we suspect that this variant may be pathogenic, at this time, the clinical significance of this variant is uncertain due to the absence of conclusive functional and genetic evidence.

Genetic Testing Center for Deafness, Department of Otolaryngology Head & Neck Surgery, Institute of Otolaryngology, Chinese PLA General Hospital
Classification: Likely pathogenic for Autosomal recessive nonsyndromic hearing loss 29. Last evaluated: 2019-02-26. Review status: no assertion criteria provided. Collection method: case-control. Allele origin: inherited. Affected: yes. Observed: 1 variant allele. Not counted in ClinVar's aggregate classification.

OMIM
Classification: Pathogenic for DEAFNESS, AUTOSOMAL RECESSIVE 29. Last evaluated: 2012-02-01. Review status: no assertion criteria provided. Collection method: literature only. Allele origin: germline. Not counted in ClinVar's aggregate classification.

Literature cited by the submitters: PubMed 22246673 (cited by OMIM).